The following is an entry in ClinVar:

ClinVar aggregate classification (germline): Uncertain significance (1 of 4 stars; one submission).

Conditions:
ADCY3-related disorder. Also called: ADCY3-related condition.

Submission:

PreventionGenetics, part of Exact Sciences
Classification: Uncertain significance for ADCY3-related condition. Last evaluated: 2025-07-02. Review status: criteria provided, single submitter. Criteria: ACMG Guidelines, 2015. Collection method: clinical testing. Allele origin: germline.
Comment: The ADCY3 c.3256-35_3260dup40 variant is predicted to result in premature protein termination (p.Glu1088*). To our knowledge, this variant has not been reported in the literature or in a large population database (gnomAD), indicating this variant is rare. This variant is located in the terminal exon of the ADCY3 gene. However, at least one other early termination variant downstream of this change has been reported in association with autosomal recessive obesity (Saeed et al. 2018. PubMed ID: 29311637). Although we suspect that this variant may be pathogenic, at this time, the clinical significance of this variant is uncertain due to the absence of conclusive functional and genetic evidence.

NM_004036.5(ADCY3):c.3253-35_3257dup

Genes: ADCY3 (adenylate cyclase 3; minus strand), CENPO (centromere protein O; plus strand). Cytogenetic location: 2p23.3.
Variant type: Duplication.
Coding change: c.3253-35_3257dup on transcript NM_004036.5 (MANE Select); 35 bases into the intron before coding-DNA position 3253 through coding-DNA position 3257, 40 bases duplicated.
Molecular consequence: splice acceptor variant. On other transcripts: 3 prime UTR variant (3), non-coding transcript variant (3).
Genome position (GRCh38, 1-based): chr2:24,820,110-24,820,149, 40 bases duplicated. GRCh37 (hg19): chr2:25,042,979-25,043,018.
Other names: c.*792_*831dup (NM_001199803.3, NM_001322101.2, NM_024322.4); c.2769-35_2773dup (NM_001377130.1); c.3115-35_3119dup (NM_001377129.1); c.3256-35_3260dup (NM_001320613.2); c.3319-35_3323dup (NM_001377128.1); c.3253-35_3257dup (NM_001377132.1); c.2530-35_2534dup (NM_001377131.1).
Identifiers: ClinVar variation 5001095 (VCV005001095.1).
Genomic context (GRCh38, chr2:24,820,109, plus strand): 5'-GATGGGGCCTCGCCTCACAAAGCGGAAGCCGTACTCTCGGAGGATGACTTGGGTTTCTTC[T>TACCACCTGGAGAGGGAGGGGGAGCAAGAACGTGGCGTTAC]ACCACCTGGAGAGGGAGGGGGAGCAAGAACGTGGCGTTACGGGGGGAGCCTAGACTGAGG-3'